The following is an entry in ClinVar:

ClinVar aggregate classification (germline): Pathogenic (1 of 4 stars; one submission).

gnomAD v4.1: 4 of 1,611,848 alleles (0.00025%); highest among the groups gnomAD compares: Non-Finnish European, 0.00034%; no homozygotes.

Submission:

Labcorp Genetics (formerly Invitae), Labcorp
Classification: Pathogenic. Last evaluated: 2025-09-15. Review status: criteria provided, single submitter. Criteria: Invitae Variant Classification Sherloc (09022015). Collection method: clinical testing. Allele origin: germline.
Comment: This sequence change creates a premature translational stop signal (p.Tyr217*) in the C9 gene. It is expected to result in an absent or disrupted protein product. Loss-of-function variants in C9 are known to be pathogenic (PMID: 9144525, 9570574). This variant is present in population databases (rs141625765, gnomAD 0.0009%). This variant has not been reported in the literature in individuals affected with C9-related conditions. For these reasons, this variant has been classified as Pathogenic.

Literature cited by the submitters: PubMed 9144525; PubMed 9570574.

NM_001737.5(C9):c.651C>G (p.Tyr217Ter)

Gene: C9 (complement C9; minus strand). Cytogenetic location: 5p13.1.
Variant type: single nucleotide variant.
Coding change: c.651C>G on transcript NM_001737.5 (MANE Select); coding-DNA position 651, C replaced by G.
Protein change: p.Tyr217Ter; replaces tyrosine 217 with a stop codon.
Molecular consequence: nonsense.
Genome position (GRCh38, 1-based): chr5:39,315,994, G>C on the plus strand (C>G on the coding strand, the complement: C9 is on the minus strand). VCF-style: chr5-39315994-G-C. GRCh37 (hg19) VCF-style: chr5-39316096-G-C.
Other names: short protein forms Y217*.
Identifiers: ClinVar variation 4702380 (VCV004702380.1).